The following is an entry in ClinVar:

ClinVar aggregate classification (germline): Uncertain significance (1 of 4 stars; one submission).

Conditions:
Cataract 12 multiple types. Identifiers: Orphanet 91492, MedGen C3808115, MONDO:0012701, OMIM 611597.

Submission:

Labcorp Genetics (formerly Invitae), Labcorp
Classification: Uncertain significance for Cataract 12 multiple types. Last evaluated: 2023-05-08. Review status: criteria provided, single submitter. Criteria: Invitae Variant Classification Sherloc (09022015). Collection method: clinical testing. Allele origin: germline.
Comment: This variant has not been reported in the literature in individuals affected with BFSP2-related conditions. This variant, c.347_349del, results in the deletion of 1 amino acid(s) of the BFSP2 protein (p.Val116del), but otherwise preserves the integrity of the reading frame. This variant is not present in population databases (gnomAD no frequency). Experimental studies and prediction algorithms are not available or were not evaluated, and the functional significance of this variant is currently unknown. In summary, the available evidence is currently insufficient to determine the role of this variant in disease. Therefore, it has been classified as a Variant of Uncertain Significance.

NM_003571.4(BFSP2):c.344TGG[1] (p.Val116del)

Gene: BFSP2 (beaded filament structural protein 2; plus strand). Cytogenetic location: 3q22.1.
Variant type: Microsatellite.
Coding change: c.344TGG[1] on transcript NM_003571.4 (MANE Select); one copy of the 3-base unit TGG starting at c.344; the reference has two copies in a row; one copy, 3 bases deleted.
Protein change: p.Val116del; deletes valine 116.
Molecular consequence: inframe deletion.
Genome position (GRCh38, 1-based): chr3:133,400,430-133,400,432, TGG deleted; deleting any 3 consecutive bases within chr3:133,400,427-133,400,432 gives the same sequence; the position shown is the placement nearest the transcript's 3' end. VCF-style (leftmost placement, unchanged base first): chr3-133400426-CTGG-C. GRCh37 (hg19) VCF-style: chr3-133119270-CTGG-C.
Other names: short protein forms V116del.
Identifiers: ClinVar variation 1513087 (VCV001513087.6), dbSNP rs2107871422, ClinGen allele CA2580615982.